The following is an entry in ClinVar:

NM_001212.4(C1QBP):c.169G>A (p.Gly57Ser)

Gene: C1QBP (complement C1q binding protein; minus strand). Cytogenetic location: 17p13.2.
Variant type: single nucleotide variant.
Coding change: c.169G>A on transcript NM_001212.4 (MANE Select); coding-DNA position 169, G replaced by A.
Protein change: p.Gly57Ser; replaces glycine 57 with serine.
Molecular consequence: missense variant.
Genome position (GRCh38, 1-based): chr17:5,438,905, C>T on the plus strand (G>A on the coding strand, the complement: C1QBP is on the minus strand). VCF-style: chr17-5438905-C-T. GRCh37 (hg19) VCF-style: chr17-5342225-C-T.
Other names: short protein forms G57S.
Identifiers: ClinVar variation 1601714 (VCV001601714.15), dbSNP rs575728394, ClinGen allele CA8325359.

ClinVar aggregate classification (germline): Benign/Likely benign. Review status: criteria provided, multiple submitters, no conflicts (2 of 4 stars). 3 submissions from 3 submitters: Benign (1); Likely benign (2). Last evaluated 2026-01-27.

Allele frequency attached by ClinVar (database versions not stated): gnomAD exomes 0.00035 and 0.00057; ExAC 0.00057; 1000 Genomes Project 0.00300; 1000 Genomes Project 30x 0.00328; gnomAD 0.00407 and 0.00431; TOPMed 0.00464.
gnomAD v4.1: 1,109 of 1,539,794 alleles (0.072%); highest among the groups gnomAD compares: African/African-American, 1.4%; 10 homozygotes.

Submissions (3):

Labcorp Genetics (formerly Invitae), Labcorp
Classification: Benign. Last evaluated: 2026-01-27. Review status: criteria provided, single submitter. Criteria: Invitae Variant Classification Sherloc (09022015). Collection method: clinical testing. Allele origin: germline.

CeGaT Center for Human Genetics Tuebingen
Classification: Likely benign. Last evaluated: 2025-10-01. Review status: criteria provided, single submitter. Criteria: CeGaT Center For Human Genetics Tuebingen Variant Classification Criteria Version 2. Collection method: clinical testing. Allele origin: germline. Affected: yes. Observed: 1 variant allele.
Comment: C1QBP: BS1

Blueprint Genetics
Classification: Likely benign. Last evaluated: 2024-10-16. Review status: criteria provided, single submitter. Criteria: ACMG Guidelines, 2015. Collection method: clinical testing. Allele origin: germline.